The following is an entry in ClinVar:

NM_004004.6(GJB2):c.400T>C (p.Trp134Arg)

Gene: GJB2 (gap junction protein beta 2; minus strand). Cytogenetic location: 13q12.11.
Variant type: single nucleotide variant.
Coding change: c.400T>C on transcript NM_004004.6 (MANE Select); coding-DNA position 400, T replaced by C.
Protein change: p.Trp134Arg; replaces tryptophan 134 with arginine.
Molecular consequence: missense variant.
Genome position (GRCh38, 1-based): chr13:20,189,182, A>G on the plus strand (T>C on the coding strand, the complement: GJB2 is on the minus strand). VCF-style: chr13-20189182-A-G. GRCh37 (hg19) VCF-style: chr13-20763321-A-G.
Other names: short protein forms W134R.
Identifiers: ClinVar variation 236061 (VCV000236061.3), dbSNP rs878853241, ClinGen allele CA10581509.

ClinVar aggregate classification (germline): Uncertain significance. Review status: criteria provided, multiple submitters, no conflicts (2 of 4 stars). 3 submissions from 3 submitters: Uncertain significance (2). 1 of the submissions does not count toward it. Last evaluated 2022-05-12.

Conditions:
Autosomal recessive nonsyndromic hearing loss 1A (DFNB1A). Also called: Connexin 26 deafness; Deafness nonsyndromic, Connexin 26 linked; GJB6-Related DFNB 1 Nonsyndromic Hearing Loss and Deafness; Deafness, autosomal recessive 1A; GJB2-Related Autosomal Recessive Nonsyndromic Hearing Loss; Nonsyndromic Hearing Loss and Deafness, DFNB1. Identifiers: Orphanet 90636, MedGen C2673759, MONDO:0009076, OMIM 220290.
Mutilating keratoderma (VOWNKL). Also called: Keratoderma hereditarium mutilans. Identifiers: Orphanet 494, MedGen C0265964, MONDO:0007422, OMIM 124500.
Ichthyosis, hystrix-like, with hearing loss. Also called: Hystrix-like ichthyosis with deafness. Identifiers: Orphanet 477, MedGen C1865234, MONDO:0011245.
X-linked mixed hearing loss with perilymphatic gusher. Also called: PERILYMPHATIC GUSHER-DEAFNESS SYNDROME; SENSORINEURAL DEAFNESS, PROFOUND, WITH OR WITHOUT A CONDUCTIVE COMPONENT, ASSOCIATED WITH A UNIQUE DEVELOPMENTAL ABNORMALITY OF THE EAR; Deafness, X-linked 2; Gusher syndrome; NANCE DEAFNESS. Identifiers: Orphanet 383, MedGen C1844678, MONDO:0010576, OMIM 304400.
Autosomal dominant keratitis-ichthyosis-hearing loss syndrome. Also called: Senter syndrome; HID SYNDROME; KID SYNDROME, AUTOSOMAL DOMINANT. Identifiers: Orphanet 477, MedGen C0265336, MONDO:0007850, OMIM 148210.
Palmoplantar keratoderma-deafness syndrome. Also called: Keratoderma palmoplantar, with deafness; Palmoplantar keratoderma and sensorineural deafness; Hereditary palmoplantar keratoderma with deafness (subtype); Focal palmoplantar keratoderma with sensorineural deafness (subtype); Diffuse palmoplantar keratoderma with deafness (subtype). Identifiers: Orphanet 2202, MedGen C1835672, MONDO:0007852, OMIM 148350.
Knuckle pads, deafness AND leukonychia syndrome. Also called: Bart-Pumphrey syndrome. Identifiers: Orphanet 2698, MedGen C0266004, MONDO:0007866, OMIM 149200.
Autosomal dominant nonsyndromic hearing loss 3A. Identifiers: Orphanet 90635, MedGen C2675750, MONDO:0011103, OMIM 601544.
Autosomal recessive nonsyndromic hearing loss 12. Also called: DEAFNESS, AUTOSOMAL RECESSIVE 12. Identifiers: Orphanet 90636, MedGen C1832394, MONDO:0011067, OMIM 601386.

Allele frequency attached by ClinVar (database versions not stated): gnomAD exomes below 0.00001.
gnomAD v4.1: 1 of 1,613,884 alleles (0.000062%); highest among the groups gnomAD compares: Middle Eastern, 0.017%; no homozygotes.

Submissions (3):

Women's Health and Genetics/Laboratory Corporation of America, LabCorp
Classification: Uncertain significance. Last evaluated: 2022-05-12. Review status: criteria provided, single submitter. Criteria: LabCorp Variant Classification Summary - May 2015. Collection method: clinical testing. Allele origin: germline.
Comment: Variant summary: GJB2 c.400T>C (p.Trp134Arg) results in a non-conservative amino acid change in the encoded protein sequence. Three of five in-silico tools predict a damaging effect of the variant on protein function. The variant was absent in 250738 control chromosomes. c.400T>C has been reported in the literature in at least one individual affected with Non-Syndromic Hearing Loss. These data indicate that the variant may be associated with disease. To our knowledge, no experimental evidence demonstrating an impact on protein function has been reported. One clinical diagnostic laboratory has submitted clinical-significance assessments for this variant to ClinVar after 2014 without evidence for independent evaluation and classified the variant as pathogenic. Based on the evidence outlined above, the variant was classified as VUS-possibly pathogenic.

Fulgent Genetics
Classification: Uncertain significance for Mutilating keratoderma; Autosomal dominant keratitis-ichthyosis-hearing loss syndrome; Palmoplantar keratoderma-deafness syndrome; Knuckle pads, deafness AND leukonychia syndrome; Autosomal recessive nonsyndromic hearing loss 1A; X-linked mixed hearing loss with perilymphatic gusher; Autosomal dominant nonsyndromic hearing loss 3A. Last evaluated: 2021-12-11. Review status: criteria provided, single submitter. Criteria: ACMG Guidelines, 2015. Collection method: clinical testing. Allele origin: unknown.

Laboratory of Prof. Karen Avraham, Tel Aviv University
Classification: Pathogenic for Autosomal recessive nonsyndromic hearing loss 12. Last evaluated: 2016-02-19. Review status: no assertion criteria provided. Collection method: research. Allele origin: germline. Affected: yes. Not counted in ClinVar's aggregate classification.
Comment: Congenital, profound HL

NSHL; recessive, DFNB12

Literature cited by the submitters: PubMed 24367894 (cited by Women's Health and Genetics/Laboratory Corporation of America, LabCorp).